The following is an entry in ClinVar:

NM_001363711.2(DUOX2):c.3469C>T (p.Leu1157Phe)

Gene: DUOX2 (dual oxidase 2; minus strand). Cytogenetic location: 15q21.1.
Variant type: single nucleotide variant.
Coding change: c.3469C>T on transcript NM_001363711.2 (MANE Select); coding-DNA position 3469, C replaced by T.
Protein change: p.Leu1157Phe; replaces leucine 1157 with phenylalanine.
Molecular consequence: missense variant.
Genome position (GRCh38, 1-based): chr15:45,099,429, G>A on the plus strand (C>T on the coding strand, the complement: DUOX2 is on the minus strand). VCF-style: chr15-45099429-G-A. GRCh37 (hg19) VCF-style: chr15-45391627-G-A.
Other names: c.3469C>T, p.Leu1157Phe (NM_014080.5); c.3469C>T (NM_014080.4); short protein forms L1157F.
Identifiers: ClinVar variation 1512417 (VCV001512417.6), dbSNP rs763092853, ClinGen allele CA7537862.

ClinVar aggregate classification (germline): Uncertain significance. Review status: criteria provided, multiple submitters, no conflicts (2 of 4 stars). 2 submissions from 2 submitters: Uncertain significance (2). Last evaluated 2025-08-14.

Conditions:
Inborn genetic diseases. Identifiers: MedGen C0950123, MeSH D030342.

Allele frequency attached by ClinVar (database versions not stated): gnomAD 0.00001; gnomAD exomes 0.00001; ExAC 0.00002; TOPMed 0.00002.
gnomAD v4.1: 20 of 1,614,054 alleles (0.0012%); highest among the groups gnomAD compares: East Asian, 0.011%; no homozygotes.

Submissions (2):

Ambry Genetics
Classification: Uncertain significance for Inborn genetic diseases. Last evaluated: 2025-08-14. Review status: criteria provided, single submitter. Criteria: Ambry Variant Classification Scheme 2023. Collection method: clinical testing. Allele origin: germline.

Labcorp Genetics (formerly Invitae), Labcorp
Classification: Uncertain significance. Last evaluated: 2025-07-31. Review status: criteria provided, single submitter. Criteria: Invitae Variant Classification Sherloc (09022015). Collection method: clinical testing. Allele origin: germline.
Comment: This sequence change replaces leucine, which is neutral and non-polar, with phenylalanine, which is neutral and non-polar, at codon 1157 of the DUOX2 protein (p.Leu1157Phe). This variant is present in population databases (rs763092853, gnomAD 0.02%). This variant has not been reported in the literature in individuals affected with DUOX2-related conditions. ClinVar contains an entry for this variant (Variation ID: 1512417). Invitae Evidence Modeling of protein sequence and biophysical properties (such as structural, functional, and spatial information, amino acid conservation, physicochemical variation, residue mobility, and thermodynamic stability) indicates that this missense variant is expected to disrupt DUOX2 protein function with a positive predictive value of 80%. In summary, the available evidence is currently insufficient to determine the role of this variant in disease. Therefore, it has been classified as a Variant of Uncertain Significance.